The following is an entry in ClinVar:

ClinVar aggregate classification (germline): Uncertain significance (1 of 4 stars; one submission).

Conditions:
Hereditary sensory and autonomic neuropathy type 7. Also called: Neuropathy, hereditary sensory and autonomic, type VII; HSAN VII. Identifiers: Orphanet 391397, MedGen C3809882, MONDO:0014244, OMIM 615548.
Familial episodic pain syndrome with predominantly lower limb involvement. Also called: Episodic pain syndrome, familial, 3. Identifiers: Orphanet 391384, Orphanet 391392, MedGen C3809899, MONDO:0014247, OMIM 615552.

Submission:

Labcorp Genetics (formerly Invitae), Labcorp
Classification: Uncertain significance for Familial episodic pain syndrome with predominantly lower limb involvement; Hereditary sensory and autonomic neuropathy type 7. Last evaluated: 2024-02-23. Review status: criteria provided, single submitter. Criteria: Invitae Variant Classification Sherloc (09022015). Collection method: clinical testing. Allele origin: germline.
Comment: This sequence change replaces proline, which is neutral and non-polar, with threonine, which is neutral and polar, at codon 1351 of the SCN11A protein (p.Pro1351Thr). This variant is not present in population databases (gnomAD no frequency). This variant has not been reported in the literature in individuals affected with SCN11A-related conditions. ClinVar contains an entry for this variant (Variation ID: 1395657). Advanced modeling of protein sequence and biophysical properties (such as structural, functional, and spatial information, amino acid conservation, physicochemical variation, residue mobility, and thermodynamic stability) performed at Invitae indicates that this missense variant is expected to disrupt SCN11A protein function with a positive predictive value of 80%. In summary, the available evidence is currently insufficient to determine the role of this variant in disease. Therefore, it has been classified as a Variant of Uncertain Significance.

NM_001349253.2(SCN11A):c.4051C>A (p.Pro1351Thr)

Gene: SCN11A (sodium voltage-gated channel alpha subunit 11; minus strand). Cytogenetic location: 3p22.2.
Variant type: single nucleotide variant.
Coding change: c.4051C>A on transcript NM_001349253.2 (MANE Select); coding-DNA position 4051, C replaced by A.
Protein change: p.Pro1351Thr; replaces proline 1351 with threonine.
Molecular consequence: missense variant.
Genome position (GRCh38, 1-based): chr3:38,863,200, G>T on the plus strand (C>A on the coding strand, the complement: SCN11A is on the minus strand). VCF-style: chr3-38863200-G-T. GRCh37 (hg19) VCF-style: chr3-38904691-G-T.
Other names: c.4051C>A, p.Pro1351Thr (NM_014139.3); short protein forms P1351T.
Identifiers: ClinVar variation 1395657 (VCV001395657.6), dbSNP rs2126089209, ClinGen allele CA352167361.